The following is an entry in ClinVar:

ClinVar aggregate classification (germline): Likely pathogenic (1 of 4 stars; one submission).

Conditions:
Developmental and epileptic encephalopathy, 12 (DEE12). Identifiers: MedGen C3150988, MONDO:0013389, OMIM 613722.

Submission:

Center for Genomics, Ann and Robert H. Lurie Children's Hospital of Chicago
Classification: Likely pathogenic for Developmental and epileptic encephalopathy, 12. Last evaluated: 2021-03-30. Review status: criteria provided, single submitter. Criteria: ACMG Guidelines, 2015. Collection method: clinical testing. Allele origin: germline.
Comment: PLCB1 NM_015192.3 exon 19 c.2036_2039delCTGT (p.Ser679Leufs*20): This variant has not been reported in the literature and is not present in large control databases. Evolutionary conservation and computational predictive tools for this variant are limited or unavailable. This variant is a deletion of 4 nucleotides and creates a premature stop codon 20 amino acids downstream from this location, which results in an absent or abnormal protein. Loss of function variants have been reported in the literature in association with disease for this gene (Poduri 2012 PMID:22690784). In summary, data on this variant is highly suspicious for disease, but requires further evidence for pathogenicity. Therefore, this variant classified as Likely Pathogenic .

NM_015192.4(PLCB1):c.2036_2039del (p.Ser679fs)

Gene: PLCB1 (phospholipase C beta 1; plus strand). Cytogenetic location: 20p12.3.
Variant type: Deletion.
Coding change: c.2036_2039del on transcript NM_015192.4 (MANE Select); coding-DNA positions 2036 to 2039, 4 bases deleted (CTGT; older notation c.2036_2039delCTGT).
Protein change: p.Ser679fs; shifts the reading frame from serine 679.
Molecular consequence: frameshift variant.
Genome position (GRCh38, 1-based): chr20:8,733,385-8,733,388, CTGT deleted; deleting any 4 consecutive bases within chr20:8,733,382-8,733,388 gives the same sequence; the c. name uses the placement nearest the transcript's 3' end. VCF-style (leftmost placement, unchanged base first): chr20-8733381-TTGTC-T. GRCh37 (hg19) VCF-style: chr20-8714028-TTGTC-T.
Other names: c.2036_2039del, p.Ser679fs (NM_182734.3); short protein forms S679fs.
Identifiers: ClinVar variation 625996 (VCV000625996.2), dbSNP rs1568577135, ClinGen allele CA913190382.